The following is an entry in ClinVar:

NM_001042492.3(NF1):c.6658A>G (p.Ile2220Val)

Gene: NF1 (neurofibromin 1; plus strand). Cytogenetic location: 17q11.2.
Variant type: single nucleotide variant.
Coding change: c.6658A>G on transcript NM_001042492.3 (MANE Select); coding-DNA position 6658, A replaced by G.
Protein change: p.Ile2220Val; replaces isoleucine 2220 with valine.
Molecular consequence: missense variant.
Genome position (GRCh38, 1-based): chr17:31,337,834, A>G. VCF-style: chr17-31337834-A-G. GRCh37 (hg19) VCF-style: chr17-29664852-A-G.
Other names: c.6595A>G, p.Ile2199Val (NM_000267.4); short protein forms I2199V, I2220V.
Identifiers: ClinVar variation 643254 (VCV000643254.6), dbSNP rs781284066, ClinGen allele CA8487393.

ClinVar aggregate classification (germline): Uncertain significance. Review status: criteria provided, multiple submitters, no conflicts (2 of 4 stars). 2 submissions from 2 submitters: Uncertain significance (2). Last evaluated 2026-01-20.

Conditions:
Hereditary cancer-predisposing syndrome. Also called: Neoplastic Syndromes, Hereditary; Hereditary Cancer Syndrome; Hereditary neoplastic syndrome; Tumor predisposition. Identifiers: Orphanet 140162, MedGen C0027672, MeSH D009386, MONDO:0015356.
Cardiovascular phenotype. Identifiers: MedGen CN230736.
Neurofibromatosis, type 1 (NF1). Also called: NEUROFIBROMATOSIS, TYPE I, SOMATIC; VON RECKLINGHAUSEN DISEASE; Neurofibromatosis, type I; Peripheral type neurofibromatosis. Identifiers: Orphanet 636, MedGen C0027831, MONDO:0018975, OMIM 162200. Disease mechanism: loss of function.

Allele frequency attached by ClinVar (database versions not stated): gnomAD exomes below 0.00001; ExAC 0.00001.
gnomAD v4.1: 1 of 1,614,010 alleles (0.000062%); highest among the groups gnomAD compares: Non-Finnish European, 0.000085%; no homozygotes.

Submissions (2):

Labcorp Genetics (formerly Invitae), Labcorp
Classification: Uncertain significance for Neurofibromatosis, type 1. Last evaluated: 2026-01-20. Review status: criteria provided, single submitter. Criteria: Invitae Variant Classification Sherloc (09022015). Collection method: clinical testing. Allele origin: germline.
Comment: This sequence change replaces isoleucine, which is neutral and non-polar, with valine, which is neutral and non-polar, at codon 2199 of the NF1 protein (p.Ile2199Val). This variant is present in population databases (rs781284066, gnomAD 0.0009%). This variant has not been reported in the literature in individuals affected with NF1-related conditions. ClinVar contains an entry for this variant (Variation ID: 643254). Invitae Evidence Modeling of protein sequence and biophysical properties (such as structural, functional, and spatial information, amino acid conservation, physicochemical variation, residue mobility, and thermodynamic stability) has been performed for this missense variant. However, the output from this modeling did not meet the statistical confidence thresholds required to predict the impact of this variant on NF1 protein function. In summary, the available evidence is currently insufficient to determine the role of this variant in disease. Therefore, it has been classified as a Variant of Uncertain Significance.

Ambry Genetics
Classification: Uncertain significance for Cardiovascular phenotype; Hereditary cancer-predisposing syndrome. Last evaluated: 2025-02-05. Review status: criteria provided, single submitter. Criteria: Ambry Variant Classification Scheme 2023. Collection method: clinical testing. Allele origin: germline.
Comment: The p.I2199V variant (also known as c.6595A>G), located in coding exon 43 of the NF1 gene, results from an A to G substitution at nucleotide position 6595. The isoleucine at codon 2199 is replaced by valine, an amino acid with highly similar properties. This amino acid position is conserved. In addition, this alteration is predicted to be tolerated by in silico analysis. Based on the available evidence, the clinical significance of this variant remains unclear.